The following is an entry in ClinVar:

NM_000057.4(BLM):c.959G>A (p.Ser320Asn)

Gene: BLM (BLM RecQ like helicase; plus strand). Cytogenetic location: 15q26.1.
Variant type: single nucleotide variant.
Coding change: c.959G>A on transcript NM_000057.4 (MANE Select); coding-DNA position 959, G replaced by A.
Protein change: p.Ser320Asn; replaces serine 320 with asparagine.
Molecular consequence: missense variant. On other transcripts: 5 prime UTR variant (1).
Genome position (GRCh38, 1-based): chr15:90,751,946, G>A. VCF-style: chr15-90751946-G-A. GRCh37 (hg19) VCF-style: chr15-91295176-G-A.
Other names: c.959G>A, p.Ser320Asn (NM_001287246.2, NM_001287247.2); c.-333G>A (NM_001287248.2); short protein forms S320N.
Identifiers: ClinVar variation 4724569 (VCV004724569.1).

ClinVar aggregate classification (germline): Uncertain significance (1 of 4 stars; one submission).

Conditions:
Bloom syndrome (BLM). Also called: Bloom-Torre-Machacek syndrome. Identifiers: Orphanet 125, MedGen C0005859, MONDO:0008876, OMIM 210900.

Submission:

Labcorp Genetics (formerly Invitae), Labcorp
Classification: Uncertain significance for Bloom syndrome. Last evaluated: 2025-07-31. Review status: criteria provided, single submitter. Criteria: Invitae Variant Classification Sherloc (09022015). Collection method: clinical testing. Allele origin: germline.
Comment: This sequence change replaces serine, which is neutral and polar, with asparagine, which is neutral and polar, at codon 320 of the BLM protein (p.Ser320Asn). This variant also falls at the last nucleotide of exon 4, which is part of the consensus splice site for this exon. This variant is not present in population databases (gnomAD no frequency). This variant has not been reported in the literature in individuals affected with BLM-related conditions. An algorithm developed to predict the effect of missense changes on protein structure and function (PolyPhen-2) suggests that this variant is likely to be tolerated. Variants that disrupt the consensus splice site are a relatively common cause of aberrant splicing (PMID: 17576681, 9536098). Algorithms developed to predict the effect of sequence changes on RNA splicing suggest that this variant may disrupt the consensus splice site. In summary, the available evidence is currently insufficient to determine the role of this variant in disease. Therefore, it has been classified as a Variant of Uncertain Significance.

Literature cited by the submitters: PubMed 17576681; PubMed 9536098.